The following is an entry in ClinVar:

ClinVar aggregate classification (germline): Uncertain significance (1 of 4 stars; one submission).

Conditions:
Charcot-Marie-Tooth disease type 2. Also called: Charcot-Marie-Tooth type 2. Identifiers: Orphanet 64746, MedGen C0270914, MONDO:0018993.

gnomAD v4.1: 1 of 1,614,102 alleles (0.000062%); highest among the groups gnomAD compares: Non-Finnish European, 0.000085%; no homozygotes.

Submission:

Labcorp Genetics (formerly Invitae), Labcorp
Classification: Uncertain significance for Charcot-Marie-Tooth disease type 2. Last evaluated: 2024-03-29. Review status: criteria provided, single submitter. Criteria: Invitae Variant Classification Sherloc (09022015). Collection method: clinical testing. Allele origin: germline.
Comment: This sequence change replaces valine, which is neutral and non-polar, with leucine, which is neutral and non-polar, at codon 250 of the BSCL2 protein (p.Val250Leu). This variant is not present in population databases (gnomAD no frequency). This variant has not been reported in the literature in individuals affected with BSCL2-related conditions. Advanced modeling of protein sequence and biophysical properties (such as structural, functional, and spatial information, amino acid conservation, physicochemical variation, residue mobility, and thermodynamic stability) performed at Invitae indicates that this missense variant is not expected to disrupt BSCL2 protein function with a negative predictive value of 80%. In summary, the available evidence is currently insufficient to determine the role of this variant in disease. Therefore, it has been classified as a Variant of Uncertain Significance.

NM_001122955.4(BSCL2):c.940G>C (p.Val314Leu)

Genes: BSCL2 (BSCL2 lipid droplet biogenesis associated, seipin; minus strand), HNRNPUL2-BSCL2 (HNRNPUL2-BSCL2 readthrough (NMD candidate); minus strand). Cytogenetic location: 11q12.3.
Variant type: single nucleotide variant.
Coding change: c.940G>C on transcript NM_001122955.4 (MANE Select); coding-DNA position 940, G replaced by C.
Protein change: p.Val314Leu; replaces valine 314 with leucine.
Molecular consequence: missense variant. On other transcripts: non-coding transcript variant (1), intron variant (1).
Genome position (GRCh38, 1-based): chr11:62,691,345, C>G on the plus strand (G>C on the coding strand, the complement: BSCL2 is on the minus strand). VCF-style: chr11-62691345-C-G. GRCh37 (hg19) VCF-style: chr11-62458817-C-G.
Other names: c.940G>C, p.Val314Leu (NM_001386027.1, NM_001386028.1); c.748G>C, p.Val250Leu (NM_032667.6); c.672-204G>C (NM_001130702.2); short protein forms V250L, V314L.
Identifiers: ClinVar variation 3648151 (VCV003648151.2).